The following is an entry in ClinVar:

ClinVar aggregate classification (germline): Likely benign (1 of 4 stars; one submission).

gnomAD v4.1: 245 of 1,614,162 alleles (0.015%); highest among the groups gnomAD compares: East Asian, 0.33%; 2 homozygotes.

Submission:

CeGaT Center for Human Genetics Tuebingen
Classification: Likely benign. Last evaluated: 2026-03-01. Review status: criteria provided, single submitter. Criteria: CeGaT Center For Human Genetics Tuebingen Variant Classification Criteria Version 2. Collection method: clinical testing. Allele origin: germline. Affected: yes. Observed: 1 variant allele.
Comment: BTNL8: BP4

NM_001040462.3(BTNL8):c.436G>A (p.Val146Ile)

Gene: BTNL8 (butyrophilin like 8; plus strand). Cytogenetic location: 5q35.3.
Variant type: single nucleotide variant.
Coding change: c.436G>A on transcript NM_001040462.3 (MANE Select); coding-DNA position 436, G replaced by A.
Protein change: p.Val146Ile; replaces valine 146 with isoleucine.
Molecular consequence: missense variant. On other transcripts: 5 prime UTR variant (1).
Genome position (GRCh38, 1-based): chr5:180,911,377, G>A. VCF-style: chr5-180911377-G-A. GRCh37 (hg19) VCF-style: chr5-180338377-G-A.
Other names: c.88G>A, p.Val30Ile (NM_001159707.2); c.436G>A, p.Val146Ile (NM_001159708.2, NM_024850.3); c.61G>A, p.Val21Ile (NM_001159709.2); c.-117G>A (NM_001159710.2); short protein forms V146I, V21I, V30I.
Identifiers: ClinVar variation 4821360 (VCV004821360.4).